The following is an entry in ClinVar:

NM_001190274.2(FBXO11):c.379A>G (p.Thr127Ala)

Gene: FBXO11 (F-box protein 11; minus strand). Cytogenetic location: 2p16.3.
Variant type: single nucleotide variant.
Coding change: c.379A>G on transcript NM_001190274.2 (MANE Select); coding-DNA position 379, A replaced by G.
Protein change: p.Thr127Ala; replaces threonine 127 with alanine.
Molecular consequence: missense variant.
Genome position (GRCh38, 1-based): chr2:47,839,482, T>C on the plus strand (A>G on the coding strand, the complement: FBXO11 is on the minus strand). VCF-style: chr2-47839482-T-C. GRCh37 (hg19) VCF-style: chr2-48066621-T-C.
Other names: c.127A>G, p.Thr43Ala (NM_001374325.1, NM_025133.4); short protein forms T43A, T127A.
Identifiers: ClinVar variation 134378 (VCV000134378.4), dbSNP rs587778349, ClinGen allele CA159646.

ClinVar aggregate classification (germline): Uncertain significance. Review status: criteria provided, single submitter (1 of 4 stars). 2 submissions from 2 submitters: Uncertain significance (1). 1 of the submissions does not count toward it. Last evaluated 2023-09-10.

Allele frequency attached by ClinVar (database versions not stated): ExAC 0.00001; gnomAD 0.00001; gnomAD exomes 0.00002 and 0.00003; TOPMed 0.00002.
gnomAD v4.1: 49 of 1,613,910 alleles (0.003%); highest among the groups gnomAD compares: Non-Finnish European, 0.004%; no homozygotes.

Submissions (2):

Labcorp Genetics (formerly Invitae), Labcorp
Classification: Uncertain significance. Last evaluated: 2023-09-10. Review status: criteria provided, single submitter. Criteria: Invitae Variant Classification Sherloc (09022015). Collection method: clinical testing. Allele origin: germline.
Comment: This variant is present in population databases (rs587778349, gnomAD 0.008%). This variant has not been reported in the literature in individuals affected with FBXO11-related conditions. ClinVar contains an entry for this variant (Variation ID: 134378). An algorithm developed to predict the effect of missense changes on protein structure and function (PolyPhen-2) suggests that this variant is likely to be tolerated. In summary, the available evidence is currently insufficient to determine the role of this variant in disease. Therefore, it has been classified as a Variant of Uncertain Significance. This sequence change replaces threonine, which is neutral and polar, with alanine, which is neutral and non-polar, at codon 127 of the FBXO11 protein (p.Thr127Ala).

ITMI
No classification provided. Condition: AllHighlyPenetrant. Last evaluated: 2013-09-19. Review status: no classification provided. Collection method: reference population. Allele origin: germline. Not counted in ClinVar's aggregate classification.
Comment: Please see associated publication for description of ethnicities

Literature cited by the submitters: PubMed 24728327 (cited by ITMI).